The following is an entry in ClinVar:

ClinVar aggregate classification (germline): Likely pathogenic (1 of 4 stars; one submission).

Conditions:
Charcot-Marie-Tooth disease type 4B1. Also called: CHARCOT-MARIE-TOOTH DISEASE, DEMYELINATING, TYPE 4B1; CHARCOT-MARIE-TOOTH DISEASE, AUTOSOMAL RECESSIVE, WITH FOCALLY FOLDED MYELIN SHEATHS, AUTOSOMAL RECESSIVE, TYPE 4B1; CHARCOT-MARIE-TOOTH DISEASE, TYPE 4B; Charcot-Marie-Tooth Neuropathy Type 4B1. Identifiers: Orphanet 99955, MedGen C1832399, MONDO:0011066, OMIM 601382.

Submission:

Kariminejad - Najmabadi Pathology & Genetics Center
Classification: Likely pathogenic for Charcot-Marie-Tooth disease type 4B1. Last evaluated: 2023-06-05. Review status: criteria provided, single submitter. Criteria: ACMG Guidelines, 2015. Collection method: clinical testing. Allele origin: germline. Inheritance: Autosomal recessive inheritance. Affected: yes.
Comment: PVS1(VS),PM2

NM_016156.6(MTMR2):c.1085C>A (p.Ser362Ter)

Gene: MTMR2 (myotubularin related protein 2; minus strand). Cytogenetic location: 11q21.
Variant type: single nucleotide variant.
Coding change: c.1085C>A on transcript NM_016156.6 (MANE Select); coding-DNA position 1085, C replaced by A.
Protein change: p.Ser362Ter; replaces serine 362 with a stop codon.
Molecular consequence: nonsense.
Genome position (GRCh38, 1-based): chr11:95,847,808, G>T on the plus strand (C>A on the coding strand, the complement: MTMR2 is on the minus strand). VCF-style: chr11-95847808-G-T. GRCh37 (hg19) VCF-style: chr11-95580972-G-T.
Other names: c.869C>A, p.Ser290Ter (NM_001243571.2, NM_201278.3, NM_201281.3); short protein forms S290*, S362*.
Identifiers: ClinVar variation 3896920 (VCV003896920.1).